The following is an entry in ClinVar:

ClinVar aggregate classification (germline): Pathogenic/Likely pathogenic. Review status: criteria provided, multiple submitters, no conflicts (2 of 4 stars). 5 submissions from 5 submitters: Pathogenic (3); Likely pathogenic (2). Last evaluated 2025-08-18.

Conditions:
Peroxisome biogenesis disorder 1A (Zellweger) (PBD1A). Also called: Peroxisome biogenesis disorder 1a; Zellweger leukodystrophy. Identifiers: MedGen C4721541, MONDO:0008953, OMIM 214100.
PEX1-related disorder. Also called: PEX1-related condition.
Zellweger spectrum disorders (ZS). Also called: Zellweger Spectrum Disorder; Zellweger Spectrum; Zellweger Spectrum Disorder (ZSD); Zellweger syndrome. Identifiers: Orphanet 912, MedGen C0043459, MONDO:0019609.
Heimler syndrome 1 (HMLR1). Also called: PEROXISOME BIOGENESIS DISORDER 1C. Identifiers: Orphanet 3220, MedGen C4551980, OMIM 234580, MONDO:0024544.

Allele frequency attached by ClinVar (database versions not stated): TOPMed below 0.00001.
gnomAD v4.1: 11 of 1,588,570 alleles (0.00069%); highest among the groups gnomAD compares: East Asian, 0.0023%; no homozygotes.

Submissions (5):

Natera, Inc.
Classification: Likely pathogenic for Zellweger syndrome. Last evaluated: 2025-08-18. Review status: criteria provided, single submitter. Criteria: Natera Variant Classification Schema (03/2026). Collection method: clinical testing. Allele origin: germline.
Comment: The c.3037C>T variant in PEX1 is a missense variant predicted to cause substitution of arginine to cysteine at amino acid 1013. This variant is rare in the general population with a frequency below the threshold expected for the associated phenotype(s). This variant has been observed in one or more individuals affected with the associated recessive disease, as either homozygous or compound heterozygous with a second variant (PMID: 30561787, 39132680). This variant has been identified in one or more affected individuals with a phenotype highly consistent with the associated gene (PMID: 30561787). Computational prediction algorithms indicate this variant is likely to affect gene or protein function. Given the available evidence, this variant is classified as Likely Pathogenic.

Genomic Medicine Center of Excellence, King Faisal Specialist Hospital and Research Centre
Classification: Pathogenic for Peroxisome biogenesis disorder 1A (Zellweger). Last evaluated: 2024-03-14. Review status: criteria provided, single submitter. Criteria: ACMG Guidelines, 2015. Collection method: research. Allele origin: germline.

Baylor Genetics
Classification: Likely pathogenic for Heimler syndrome 1. Last evaluated: 2023-12-14. Review status: criteria provided, single submitter. Criteria: ACMG Guidelines, 2015. Collection method: clinical testing. Allele origin: unknown.

Labcorp Genetics (formerly Invitae), Labcorp
Classification: Pathogenic for Zellweger spectrum disorders. Last evaluated: 2023-09-03. Review status: criteria provided, single submitter. Criteria: Invitae Variant Classification Sherloc (09022015). Collection method: clinical testing. Allele origin: germline.
Comment: For these reasons, this variant has been classified as Pathogenic. This variant disrupts the p.Arg1013 amino acid residue in PEX1. Other variant(s) that disrupt this residue have been observed in individuals with PEX1-related conditions (PMID: 16141001, 20952722, 21846392), which suggests that this may be a clinically significant amino acid residue. Advanced modeling of protein sequence and biophysical properties (such as structural, functional, and spatial information, amino acid conservation, physicochemical variation, residue mobility, and thermodynamic stability) performed at Invitae indicates that this missense variant is expected to disrupt PEX1 protein function. ClinVar contains an entry for this variant (Variation ID: 1069047). This missense change has been observed in individuals with Zellweger spectrum disorder (PMID: 27124789, 30561787). This variant is not present in population databases (gnomAD no frequency). This sequence change replaces arginine, which is basic and polar, with cysteine, which is neutral and slightly polar, at codon 1013 of the PEX1 protein (p.Arg1013Cys).

Blueprint Genetics
Classification: Pathogenic for PEX1-related disorders. Last evaluated: 2020-12-10. Review status: criteria provided, single submitter. Criteria: ACMG Guidelines, 2015. Collection method: clinical testing. Allele origin: germline. Affected: yes. Observed: 1 variant allele.

Literature cited by the submitters: PubMed 30561787 (cited by Natera, Inc. and Labcorp Genetics (formerly Invitae), Labcorp); PubMed 39132680 (cited by Natera, Inc.); PubMed 16141001 (cited by Labcorp Genetics (formerly Invitae), Labcorp); PubMed 20952722 (cited by Labcorp Genetics (formerly Invitae), Labcorp); PubMed 21846392 (cited by Labcorp Genetics (formerly Invitae), Labcorp); PubMed 27124789 (cited by Labcorp Genetics (formerly Invitae), Labcorp).

NM_000466.3(PEX1):c.3037C>T (p.Arg1013Cys)

Genes: GATAD1 (GATA zinc finger domain containing 1; plus strand), PEX1 (peroxisomal biogenesis factor 1; minus strand). Cytogenetic location: 7q21.2.
Variant type: single nucleotide variant.
Coding change: c.3037C>T on transcript NM_000466.3 (MANE Select); coding-DNA position 3037, C replaced by T.
Protein change: p.Arg1013Cys; replaces arginine 1013 with cysteine.
Molecular consequence: missense variant.
Genome position (GRCh38, 1-based): chr7:92,493,123, G>A on the plus strand (C>T on the coding strand, the complement: PEX1 is on the minus strand). VCF-style: chr7-92493123-G-A. GRCh37 (hg19) VCF-style: chr7-92122437-G-A.
Other names: c.2866C>T, p.Arg956Cys (NM_001282677.2); c.2413C>T, p.Arg805Cys (NM_001282678.2); c.3037C>T (NM_000466.2); short protein forms R1013C, R805C, R956C.
Identifiers: ClinVar variation 1069047 (VCV001069047.15), dbSNP rs1791439311, ClinGen allele CA368167101.